The following is an entry in ClinVar:

NM_006757.4(TNNT3):c.548G>A (p.Arg183His)

Gene: TNNT3 (troponin T3, fast skeletal type; plus strand). Cytogenetic location: 11p15.5.
Variant type: single nucleotide variant.
Coding change: c.548G>A on transcript NM_006757.4 (MANE Select); coding-DNA position 548, G replaced by A.
Protein change: p.Arg183His; replaces arginine 183 with histidine.
Molecular consequence: missense variant.
Genome position (GRCh38, 1-based): chr11:1,934,613, G>A. VCF-style: chr11-1934613-G-A. GRCh37 (hg19) VCF-style: chr11-1955843-G-A.
Other names: c.548G>A (NM_006757.3); c.524G>A, p.Arg175His (NM_001042780.3, NM_001042782.3, NM_001297646.2 and 2 more transcripts); c.542G>A, p.Arg181His (NM_001042781.3, NM_001367842.1, NM_001367843.1); c.557G>A, p.Arg186His (NM_001363561.2, NM_001367847.1); c.581G>A, p.Arg194His (NM_001367846.1); c.545G>A, p.Arg182His (NM_001367848.1); c.536G>A, p.Arg179His (NM_001367849.1); c.491G>A, p.Arg164His (NM_001367850.1); and 1 more; short protein forms R164H, R175H, R181H, R179H, R183H, R115H, R182H, R186H.
Identifiers: ClinVar variation 3715695 (VCV003715695.3).

ClinVar aggregate classification (germline): Uncertain significance. Review status: criteria provided, multiple submitters, no conflicts (2 of 4 stars). 2 submissions from 2 submitters: Uncertain significance (2). Last evaluated 2025-01-29.

Conditions:
Inborn genetic diseases. Identifiers: MedGen C0950123, MeSH D030342.

gnomAD v4.1: 23 of 1,608,490 alleles (0.0014%); highest among the groups gnomAD compares: African/African-American, 0.013%; no homozygotes.

Submissions (2):

Ambry Genetics
Classification: Uncertain significance for Inborn genetic diseases. Last evaluated: 2025-01-29. Review status: criteria provided, single submitter. Criteria: Ambry Variant Classification Scheme 2023. Collection method: clinical testing. Allele origin: germline.

Labcorp Genetics (formerly Invitae), Labcorp
Classification: Uncertain significance. Last evaluated: 2024-02-09. Review status: criteria provided, single submitter. Criteria: Invitae Variant Classification Sherloc (09022015). Collection method: clinical testing. Allele origin: germline.
Comment: This sequence change replaces arginine, which is basic and polar, with histidine, which is basic and polar, at codon 183 of the TNNT3 protein (p.Arg183His). The frequency data for this variant in the population databases is considered unreliable, as metrics indicate poor data quality at this position in the gnomAD database. This variant has not been reported in the literature in individuals affected with TNNT3-related conditions. An algorithm developed to predict the effect of missense changes on protein structure and function (PolyPhen-2) suggests that this variant is likely to be disruptive. In summary, the available evidence is currently insufficient to determine the role of this variant in disease. Therefore, it has been classified as a Variant of Uncertain Significance.